The following is an entry in ClinVar:

ClinVar aggregate classification (germline): Likely pathogenic (1 of 4 stars; one submission).

Submission:

Labcorp Genetics (formerly Invitae), Labcorp
Classification: Likely pathogenic. Last evaluated: 2023-03-04. Review status: criteria provided, single submitter. Criteria: Invitae Variant Classification Sherloc (09022015). Collection method: clinical testing. Allele origin: germline.
Comment: This sequence change affects an acceptor splice site in intron 32 of the LOXHD1 gene. It is expected to disrupt RNA splicing. Variants that disrupt the donor or acceptor splice site typically lead to a loss of protein function (PMID: 16199547), and loss-of-function variants in LOXHD1 are known to be pathogenic (PMID: 19732867, 21465660, 25792669). This variant is not present in population databases (gnomAD no frequency). This variant has not been reported in the literature in individuals affected with LOXHD1-related conditions. Algorithms developed to predict the effect of sequence changes on RNA splicing suggest that this variant may disrupt the consensus splice site. In summary, the currently available evidence indicates that the variant is pathogenic, but additional data are needed to prove that conclusively. Therefore, this variant has been classified as Likely Pathogenic.

Literature cited by the submitters: PubMed 16199547; PubMed 19732867; PubMed 21465660; PubMed 25792669.

NM_001384474.1(LOXHD1):c.5272-1G>A

Gene: LOXHD1 (lipoxygenase homology PLAT domains 1; minus strand). Cytogenetic location: 18q21.1.
Variant type: single nucleotide variant.
Coding change: c.5272-1G>A on transcript NM_001384474.1 (MANE Select); the canonical splice acceptor site of the intron before coding-DNA position 5272, G replaced by A.
Molecular consequence: splice acceptor variant.
Genome position (GRCh38, 1-based): chr18:46,518,257, C>T on the plus strand (G>A on the coding strand, the complement: LOXHD1 is on the minus strand). VCF-style: chr18-46518257-C-T. GRCh37 (hg19) VCF-style: chr18-44098220-C-T.
Other names: c.1939-1G>A (NM_001145472.3); c.1651-1G>A (NM_001308013.2); c.-12-1G>A (NM_001173129.2, NM_001145473.3); c.5086-1G>A (NM_144612.7).
Identifiers: ClinVar variation 2843016 (VCV002843016.3), dbSNP rs2511570627, ClinGen allele CA402369470.